The following is an entry in ClinVar:

NR_023343.3(RNU4ATAC):n.33C>A

Genes: CLASP1 (cytoplasmic linker associated protein 1; minus strand), CLASP1-AS1 (CLASP1 antisense RNA 1; plus strand), RNU4ATAC (RNA, U4atac small nuclear; plus strand). Cytogenetic location: 2q14.2.
Variant type: single nucleotide variant.
Molecular consequence: non-coding transcript variant (on NR_023343.3). On other transcripts: intron variant (8).
Genome position: GRCh38 VCF-style: chr2-121530912-C-A. GRCh37 (hg19) VCF-style: chr2-122288488-C-A.
Other names: NM_001395891.1:c.196-587G>T; c.196-587G>T (NM_001142274.2, NM_015282.3, NM_001378003.1 and 5 more transcripts).
Identifiers: ClinVar variation 4082366 (VCV004082366.1).
Genomic context (GRCh38, chr2:121,530,912, plus strand): 5'-TGCTTGCAGCCCAGGGACTTTCTATTATAACCATCCTTTTCTTGGGGTTGCGCTACTGTC[C>A]AATGAGCGCATAGTGAGGGCAGTACTGCTAACGCCTGAACAACACACCCGCATCAACTAG-3'

ClinVar aggregate classification (germline): Uncertain significance (1 of 4 stars; one submission).

Conditions:
RNU4ATAC spectrum disorder. Also called: RNU4atac-opathy. Identifiers: MedGen CN377746, MONDO:0100558.

Submission:

Broad Center for Mendelian Genomics, Broad Institute of MIT and Harvard
Classification: Uncertain significance for RNU4ATAC spectrum disorder. Last evaluated: 2025-08-21. Review status: criteria provided, single submitter. Criteria: Ellingford et al. (Genome Med. 2022). Collection method: curation. Allele origin: germline. Inheritance: Autosomal recessive inheritance.
Comment: The phase of these variants is unknown at this time. The n.33C>A variant has not been previously reported in the literature in individuals with RNU4ATAC spectrum disorder and was absent from large population studies. The n.33C>A variant is located in the 5' stem loop region of RNU4ATAC where several other variants have been identified, suggesting that this variant is in a functional domain and supports pathogenicity (PMID: 26522830, 32628740). In summary, while there is some suspicion for a pathogenic role, the clinical significance of this variant is uncertain. ACMG/AMP Criteria applied: PM1, PM2_supporting, PM3_supporting (Richards 2015).